The following is an entry in ClinVar:

NM_000069.3(CACNA1S):c.2791A>G (p.Ile931Val)

Gene: CACNA1S (calcium voltage-gated channel subunit alpha1 S; minus strand). Cytogenetic location: 1q32.1.
Variant type: single nucleotide variant.
Coding change: c.2791A>G on transcript NM_000069.3 (MANE Select); coding-DNA position 2791, A replaced by G.
Protein change: p.Ile931Val; replaces isoleucine 931 with valine.
Molecular consequence: missense variant.
Genome position (GRCh38, 1-based): chr1:201,065,900, T>C on the plus strand (A>G on the coding strand, the complement: CACNA1S is on the minus strand). VCF-style: chr1-201065900-T-C. GRCh37 (hg19) VCF-style: chr1-201035028-T-C.
Other names: short protein forms I931V.
Identifiers: ClinVar variation 1412279 (VCV001412279.7), dbSNP rs778518002, ClinGen allele CA079294.

ClinVar aggregate classification (germline): Uncertain significance. Review status: criteria provided, multiple submitters, no conflicts (2 of 4 stars). 2 submissions from 2 submitters: Uncertain significance (2). Last evaluated 2025-07-08.

Conditions:
Hypokalemic periodic paralysis, type 1. Also called: Hypokalemic Periodic Paralysis Type 1 (AD); HypoPP. Identifiers: Orphanet 681, MedGen C3714580, MONDO:0042979, OMIM 170400.
Malignant hyperthermia, susceptibility to, 5 (MHS5). Also called: CACNA1S-Related Malignant Hyperthermia Susceptibility. Identifiers: Orphanet 423, MedGen C1866077, MONDO:0011163, OMIM 601887.

Allele frequency attached by ClinVar (database versions not stated): TOPMed below 0.00001; gnomAD 0.00001; ExAC 0.00003; gnomAD exomes 0.00003.
gnomAD v4.1: 21 of 1,614,036 alleles (0.0013%); highest among the groups gnomAD compares: South Asian, 0.016%; no homozygotes.

Submissions (2):

Color Diagnostics, LLC DBA Color Health
Classification: Uncertain significance for Malignant hyperthermia, susceptibility to, 5. Last evaluated: 2025-07-08. Review status: criteria provided, single submitter. Criteria: ACMG Guidelines, 2015. Collection method: clinical testing. Allele origin: germline.
Comment: This missense variant replaces isoleucine with valine at codon 931 of the CACNA1S protein. Computational prediction suggests that this variant may have deleterious impact on protein structure and function. To our knowledge, functional studies have not been reported for this variant. This variant has not been reported in individuals affected with CACNA1S-related disorders in the literature. This variant has been identified in 8/251148 chromosomes in the general population by the Genome Aggregation Database (gnomAD). The available evidence is insufficient to determine the role of this variant in disease conclusively. Therefore, this variant is classified as a Variant of Uncertain Significance.

Labcorp Genetics (formerly Invitae), Labcorp
Classification: Uncertain significance for Hypokalemic periodic paralysis, type 1; Malignant hyperthermia, susceptibility to, 5. Last evaluated: 2021-09-25. Review status: criteria provided, single submitter. Criteria: Invitae Variant Classification Sherloc (09022015). Collection method: clinical testing. Allele origin: germline.
Comment: In summary, the available evidence is currently insufficient to determine the role of this variant in disease. Therefore, it has been classified as a Variant of Uncertain Significance. Advanced modeling of protein sequence and biophysical properties (such as structural, functional, and spatial information, amino acid conservation, physicochemical variation, residue mobility, and thermodynamic stability) performed at Invitae indicates that this missense variant is not expected to disrupt CACNA1S protein function. This variant has not been reported in the literature in individuals with CACNA1S-related conditions. This variant is present in population databases (rs778518002, ExAC 0.01%). This sequence change replaces isoleucine with valine at codon 931 of the CACNA1S protein (p.Ile931Val). The isoleucine residue is highly conserved and there is a small physicochemical difference between isoleucine and valine.